The following is an entry in ClinVar:

ClinVar aggregate classification (germline): Pathogenic (1 of 4 stars; one submission).

Conditions:
Hereditary spastic paraplegia 39 (SPG39). Also called: Spastic Paraplegia Type 39 (SPG39); SPASTIC PARAPLEGIA 39, AUTOSOMAL RECESSIVE. Identifiers: Orphanet 139480, MedGen C2677586, MONDO:0012787, OMIM 612020.

Submission:

Labcorp Genetics (formerly Invitae), Labcorp
Classification: Pathogenic for Hereditary spastic paraplegia 39. Last evaluated: 2022-08-15. Review status: criteria provided, single submitter. Criteria: Invitae Variant Classification Sherloc (09022015). Collection method: clinical testing. Allele origin: germline.
Comment: For these reasons, this variant has been classified as Pathogenic. This variant has not been reported in the literature in individuals affected with PNPLA6-related conditions. This variant is a gross deletion of the genomic region encompassing exon(s) 7-16 of the PNPLA6 gene. This deletion is out-of-frame, and is expected to create a premature termination codon and result in an absent or disrupted protein product. Loss-of-function variants in PNPLA6 are known to be pathogenic (PMID: 24355708).

Literature cited by the submitters: PubMed 24355708.

NC_000019.9:g.(?_7604804)_(7607970_?)del

Gene: PNPLA6 (patatin like domain 6, lysophospholipase; plus strand). Cytogenetic location: 19p13.2.
Variant type: Deletion.
Identifiers: ClinVar variation 1074568 (VCV001074568.6).